The following is an entry in ClinVar:

NM_000218.3(KCNQ1):c.473G>T (p.Trp158Leu)

Gene: KCNQ1 (potassium voltage-gated channel subfamily Q member 1; plus strand). Cytogenetic location: 11p15.5.
Variant type: single nucleotide variant.
Coding change: c.473G>T on transcript NM_000218.3 (MANE Select); coding-DNA position 473, G replaced by T.
Protein change: p.Trp158Leu; replaces tryptophan 158 with leucine.
Molecular consequence: missense variant.
Genome position (GRCh38, 1-based): chr11:2,528,014, G>T. VCF-style: chr11-2528014-G-T. GRCh37 (hg19) VCF-style: chr11-2549244-G-T.
Other names: c.92G>T, p.Trp31Leu (NM_181798.2); c.473G>T, p.Trp158Leu (NM_001406836.1, NM_001406838.1); c.203G>T, p.Trp68Leu (NM_001406837.1); short protein forms W158L, W31L, W68L.
Identifiers: ClinVar variation 4758214 (VCV004758214.1).

ClinVar aggregate classification (germline): Uncertain significance (1 of 4 stars; one submission).

Conditions:
Cardiac arrhythmia. Also called: Arrhythmia; Cardiac rhythm disease. Identifiers: MedGen C0003811, MONDO:0007263, HP:0011675.

Submission:

Color Diagnostics, LLC DBA Color Health
Classification: Uncertain significance for Cardiac arrhythmia. Last evaluated: 2025-10-05. Review status: criteria provided, single submitter. Criteria: ACMG Guidelines, 2015. Collection method: clinical testing. Allele origin: germline.
Comment: This missense variant replaces tryptophan with leucine at codon 158 of the KCNQ1 protein. Computational prediction is inconclusive regarding the impact of this variant on protein structure and function. To our knowledge, functional studies have not been reported for this variant. This variant has not been reported in individuals affected with KCNQ1-related disorders in the literature. This variant has not been identified in the general population by the Genome Aggregation Database (gnomAD). The available evidence is insufficient to determine the role of this variant in disease conclusively. Therefore, this variant is classified as a Variant of Uncertain Significance.